The following is an entry in ClinVar:

ClinVar aggregate classification (germline): Uncertain significance (1 of 4 stars; one submission).

Conditions:
CYP11B1-related disorder. Also called: CYP11B1-related condition.

gnomAD v4.1: 6 of 1,613,220 alleles (0.00037%); highest among the groups gnomAD compares: Non-Finnish European, 0.00051%; no homozygotes.

Submission:

PreventionGenetics, part of Exact Sciences
Classification: Uncertain significance for CYP11B1-related condition. Last evaluated: 2025-03-29. Review status: criteria provided, single submitter. Criteria: ACMG Guidelines, 2015. Collection method: clinical testing. Allele origin: germline.
Comment: The CYP11B1 c.1397A>C variant is predicted to result in the amino acid substitution p.His466Pro. This nucleotide change occurs at the penultimate base of exon 8 and is predicted to alter splicing based on available splicing prediction programs (Alamut Visual Plus v1.6.1). However, the use of computer prediction programs is not equivalent to functional evidence. To our knowledge, this variant has not been reported in the literature. This variant is reported in 0.0018% of alleles in individuals of European (Non-Finnish) descent in gnomAD. Although we suspect that this variant may be pathogenic, at this time, the clinical significance of this variant is uncertain due to the absence of conclusive functional and genetic evidence.

NM_000497.4(CYP11B1):c.1397A>C (p.His466Pro)

Genes: CYP11B1 (cytochrome P450 family 11 subfamily B member 1; minus strand), LOC106799833 (CYP11B1 recombination region; plus strand). Cytogenetic location: 8q24.3.
Variant type: single nucleotide variant.
Coding change: c.1397A>C on transcript NM_000497.4 (MANE Select); coding-DNA position 1397, A replaced by C.
Protein change: p.His466Pro; replaces histidine 466 with proline.
Molecular consequence: missense variant. On other transcripts: intron variant (1).
Genome position (GRCh38, 1-based): chr8:142,874,958, T>G on the plus strand (A>C on the coding strand, the complement: CYP11B1 is on the minus strand). VCF-style: chr8-142874958-T-G. GRCh37 (hg19) VCF-style: chr8-143956374-T-G.
Other names: c.1200+276A>C (NM_001026213.1); short protein forms H466P.
Identifiers: ClinVar variation 4980515 (VCV004980515.1).
Genomic context (GRCh38, chr8:142,874,958, plus strand): 5'-AGCCCCGCCCATGCTGCCCAGACCCCGCCCAGGCCCCTCCCCAGCCCGGGCCTGCTCACA[T>G]GGTGCAGCAGCAGCAGCATCTCTGCCTCTGCCAGGCGCCGCCCAAGGCACTGGCGCATGC-3'
Protein context (NP_000488.3, residues 456-476): AEAEMLLLLH[His466Pro]VLKHLQVETL